The following is an entry in ClinVar:

ClinVar aggregate classification (germline): Uncertain significance (1 of 4 stars; one submission).

Allele frequency attached by ClinVar (database versions not stated): gnomAD exomes below 0.00001.
gnomAD v4.1: 1 of 1,613,190 alleles (0.000062%); highest among the groups gnomAD compares: Non-Finnish European, 0.000085%; no homozygotes.

Submission:

Labcorp Genetics (formerly Invitae), Labcorp
Classification: Uncertain significance. Last evaluated: 2025-05-16. Review status: criteria provided, single submitter. Criteria: Invitae Variant Classification Sherloc (09022015). Collection method: clinical testing. Allele origin: germline.
Comment: This sequence change replaces threonine, which is neutral and polar, with proline, which is neutral and non-polar, at codon 109 of the WDR4 protein (p.Thr109Pro). This variant is not present in population databases (gnomAD no frequency). This variant has not been reported in the literature in individuals affected with WDR4-related conditions. ClinVar contains an entry for this variant (Variation ID: 2020300). Invitae Evidence Modeling of protein sequence and biophysical properties (such as structural, functional, and spatial information, amino acid conservation, physicochemical variation, residue mobility, and thermodynamic stability) has been performed for this missense variant. However, the output from this modeling did not meet the statistical confidence thresholds required to predict the impact of this variant on WDR4 protein function. In summary, the available evidence is currently insufficient to determine the role of this variant in disease. Therefore, it has been classified as a Variant of Uncertain Significance.

NM_018669.6(WDR4):c.325A>C (p.Thr109Pro)

Gene: WDR4 (WDR4 tRNA N7-guanosine methyltransferase non-catalytic subunit; minus strand). Cytogenetic location: 21q22.3.
Variant type: single nucleotide variant.
Coding change: c.325A>C on transcript NM_018669.6 (MANE Select); coding-DNA position 325, A replaced by C.
Protein change: p.Thr109Pro; replaces threonine 109 with proline.
Molecular consequence: missense variant. On other transcripts: 5 prime UTR variant (3), non-coding transcript variant (1).
Genome position (GRCh38, 1-based): chr21:42,863,568, T>G on the plus strand (A>C on the coding strand, the complement: WDR4 is on the minus strand). VCF-style: chr21-42863568-T-G. GRCh37 (hg19) VCF-style: chr21-44283678-T-G.
Other names: c.325A>C, p.Thr109Pro (NM_001260474.2, NM_033661.5); c.-114A>C (NM_001260475.2, NM_001260476.2, NM_001260477.2 and 1 more transcripts); short protein forms T109P.
Identifiers: ClinVar variation 2020300 (VCV002020300.4), dbSNP rs2517019506, ClinGen allele CA410394119.